The following is an entry in ClinVar:

ClinVar aggregate classification (germline): Uncertain significance. Review status: criteria provided, multiple submitters, no conflicts (2 of 4 stars). 2 submissions from 2 submitters: Uncertain significance (2). Last evaluated 2025-07-03.

Conditions:
Inborn genetic diseases. Identifiers: MedGen C0950123, MeSH D030342.

gnomAD v4.1: 1 of 1,614,240 alleles (0.000062%); highest among the groups gnomAD compares: Admixed American, 0.0017%; no homozygotes.

Submissions (2):

Ambry Genetics
Classification: Uncertain significance for Inborn genetic diseases. Last evaluated: 2025-07-03. Review status: criteria provided, single submitter. Criteria: Ambry Variant Classification Scheme 2023. Collection method: clinical testing. Allele origin: germline.

Labcorp Genetics (formerly Invitae), Labcorp
Classification: Uncertain significance. Last evaluated: 2022-07-30. Review status: criteria provided, single submitter. Criteria: Invitae Variant Classification Sherloc (09022015). Collection method: clinical testing. Allele origin: germline.
Comment: This sequence change replaces valine, which is neutral and non-polar, with leucine, which is neutral and non-polar, at codon 339 of the DHX37 protein (p.Val339Leu). This variant is present in population databases (no rsID available, gnomAD 0.003%). This variant has not been reported in the literature in individuals affected with DHX37-related conditions. Algorithms developed to predict the effect of missense changes on protein structure and function (SIFT, PolyPhen-2, Align-GVGD) all suggest that this variant is likely to be tolerated. In summary, the available evidence is currently insufficient to determine the role of this variant in disease. Therefore, it has been classified as a Variant of Uncertain Significance.

NM_032656.4(DHX37):c.1015G>T (p.Val339Leu)

Gene: DHX37 (DEAH-box helicase 37; minus strand). Cytogenetic location: 12q24.31.
Variant type: single nucleotide variant.
Coding change: c.1015G>T on transcript NM_032656.4 (MANE Select); coding-DNA position 1015, G replaced by T.
Protein change: p.Val339Leu; replaces valine 339 with leucine.
Molecular consequence: missense variant.
Genome position (GRCh38, 1-based): chr12:124,972,565, C>A on the plus strand (G>T on the coding strand, the complement: DHX37 is on the minus strand). VCF-style: chr12-124972565-C-A. GRCh37 (hg19) VCF-style: chr12-125457111-C-A.
Other names: c.1015G>T (NM_032656.3); short protein forms V339L.
Identifiers: ClinVar variation 1901331 (VCV001901331.8), dbSNP rs778673475, ClinGen allele CA387226736.